The following is an entry in ClinVar:

NM_017739.4(POMGNT1):c.87_90dup (p.Asn31fs)

Gene: POMGNT1 (protein O-linked mannose N-acetylglucosaminyltransferase 1 (beta 1,2-); minus strand). Cytogenetic location: 1p34.1.
Variant type: Duplication.
Coding change: c.87_90dup on transcript NM_017739.4 (MANE Select); coding-DNA positions 87 to 90, 4 bases duplicated (GACA; older notation c.87_90dupGACA).
Protein change: p.Asn31fs; shifts the reading frame from asparagine 31.
Molecular consequence: frameshift variant.
Genome position (GRCh38, 1-based): chr1:46,197,732-46,197,735, TGTC duplicated on the plus strand (GACA on the coding strand, the reverse complement: POMGNT1 is on the minus strand). VCF-style (leftmost placement, unchanged base first): chr1-46197731-T-TTGTC. GRCh37 (hg19) VCF-style: chr1-46663403-T-TTGTC.
Other names: c.87_90dup, p.Asn31fs (NM_001243766.2, NM_001410783.1); short protein forms N31fs.
Identifiers: ClinVar variation 2933409 (VCV002933409.3), dbSNP rs2525475910, ClinGen allele CA2740090737.

ClinVar aggregate classification (germline): Pathogenic (1 of 4 stars; one submission).

Conditions:
Autosomal recessive limb-girdle muscular dystrophy type 2O. Also called: Limb-Girdle Muscular Dystrophy Type 3C; MUSCULAR DYSTROPHY-DYSTROGLYCANOPATHY (LIMB-GIRDLE), TYPE C, 3; MUSCULAR DYSTROPHY-DYSTROGLYCANOPATHY, LIMB-GIRDLE, POMGNT1-RELATED. Identifiers: Orphanet 206564, MedGen C3150417, MONDO:0013161, OMIM 613157.
Muscular dystrophy-dystroglycanopathy (congenital with impaired intellectual development), type B, 3. Also called: MUSCULAR DYSTROPHY, CONGENITAL, POMGNT1-RELATED; Muscular dystrophy-dystroglycanopathy (congenital with intellectual disability), type B3. Identifiers: MedGen C3150412, MONDO:0013155, OMIM 613151.

Submission:

Labcorp Genetics (formerly Invitae), Labcorp
Classification: Pathogenic for Autosomal recessive limb-girdle muscular dystrophy type 2O; Muscular dystrophy-dystroglycanopathy (congenital with impaired intellectual development), type B, 3. Last evaluated: 2023-06-09. Review status: criteria provided, single submitter. Criteria: Invitae Variant Classification Sherloc (09022015). Collection method: clinical testing. Allele origin: germline.
Comment: This sequence change creates a premature translational stop signal (p.Asn31Aspfs*38) in the POMGNT1 gene. It is expected to result in an absent or disrupted protein product. Loss-of-function variants in POMGNT1 are known to be pathogenic (PMID: 19299310, 20816175, 21447391, 26908613, 27391550). For these reasons, this variant has been classified as Pathogenic. This variant has not been reported in the literature in individuals affected with POMGNT1-related conditions. This variant is not present in population databases (gnomAD no frequency).

Literature cited by the submitters: PubMed 19299310; PubMed 20816175; PubMed 21447391; PubMed 26908613; PubMed 27391550.